The following is an entry in ClinVar:

NM_001267550.2(TTN):c.43538G>A (p.Ser14513Asn)

Gene: TTN (titin; minus strand). Cytogenetic location: 2q31.2.
Variant type: single nucleotide variant.
Coding change: c.43538G>A on transcript NM_001267550.2 (MANE Select); coding-DNA position 43538, G replaced by A.
Protein change: p.Ser14513Asn; replaces serine 14513 with asparagine.
Molecular consequence: missense variant.
Genome position (GRCh38, 1-based): chr2:178,632,356, C>T on the plus strand (G>A on the coding strand, the complement: TTN is on the minus strand). VCF-style: chr2-178632356-C-T. GRCh37 (hg19) VCF-style: chr2-179497083-C-T.
Other names: c.16343G>A, p.Ser5448Asn (NM_003319.4); c.35834G>A, p.Ser11945Asn (NM_133378.4); c.16718G>A, p.Ser5573Asn (NM_133432.3); c.16919G>A, p.Ser5640Asn (NM_133437.4); c.38615G>A, p.Ser12872Asn (NM_001256850.1); short protein forms S11945N, S14513N, S5573N, S12872N, S5448N, S5640N.
Identifiers: ClinVar variation 502544 (VCV000502544.7), dbSNP rs557216748, ClinGen allele CA1995836.

ClinVar aggregate classification (germline): Uncertain significance. Review status: criteria provided, multiple submitters, no conflicts (2 of 4 stars). 3 submissions from 3 submitters: Uncertain significance (3). Last evaluated 2026-08-25.

Conditions:
TTN-related disorder. Also called: TTN-related condition; TTN-related disease; TTN-related disorders.
Myopathy, myofibrillar, 9, with early respiratory failure (MFM9). Also called: Hereditary myopathy with early respiratory failure; EDSTROM MYOPATHY; MYOPATHY, PROXIMAL, WITH EARLY RESPIRATORY MUSCLE INVOLVEMENT; Myopathy, distal, with early respiratory failure, autosomal dominant. Identifiers: Orphanet 178464, Orphanet 34521, MedGen C1863599, MONDO:0011362, OMIM 603689.
Autosomal recessive limb-girdle muscular dystrophy type 2J (LGMDR10). Also called: Limb-girdle muscular dystrophy, type 2J; MUSCULAR DYSTROPHY, LIMB-GIRDLE, AUTOSOMAL RECESSIVE 10. Identifiers: Orphanet 140922, MedGen C1837342, MONDO:0012127, OMIM 608807.
Dilated cardiomyopathy 1G (CMD1G). Identifiers: Orphanet 154, MedGen C1858763, MONDO:0011400, OMIM 604145.
Early-onset myopathy with fatal cardiomyopathy (CMYO5). Also called: Salih Myopathy; CONGENITAL MYOPATHY 5 WITH CARDIOMYOPATHY. Identifiers: Orphanet 289377, MedGen C2673677, MONDO:0012714, OMIM 611705. Disease mechanism: loss of function.
Tibial muscular dystrophy (TMD). Also called: Udd Distal Myopathy – Tibial Muscular Dystrophy; UDD MYOPATHY; Tibial muscular dystrophy, tardive. Identifiers: Orphanet 609, MedGen C1838244, MONDO:0010870, OMIM 600334.
Hypertrophic cardiomyopathy 9. Also called: Familial hypertrophic cardiomyopathy 9. Identifiers: MedGen C1861065, MONDO:0013412, OMIM 613765.

Allele frequency attached by ClinVar (database versions not stated): gnomAD exomes 0.00003; ExAC 0.00006; 1000 Genomes Project 30x 0.00016; 1000 Genomes Project 0.00020.
gnomAD v4.1: 49 of 1,604,140 alleles (0.0031%); highest among the groups gnomAD compares: South Asian, 0.053%; no homozygotes.

Submissions (3):

PreventionGenetics, part of Exact Sciences
Classification: Uncertain significance for TTN-related condition. Last evaluated: 2026-08-25. Review status: criteria provided, single submitter. Criteria: ACMG Guidelines, 2015. Collection method: clinical testing. Allele origin: germline.
Comment: The TTN c.43538G>A variant is predicted to result in the amino acid substitution p.Ser14513Asn. To our knowledge, this variant has not been reported in the literature. This variant is reported in 0.028% of alleles in individuals of South Asian descent in gnomAD. At this time, the clinical significance of this variant is uncertain due to the absence of conclusive functional and genetic evidence.

Fulgent Genetics
Classification: Uncertain significance for Tibial muscular dystrophy; Myopathy, myofibrillar, 9, with early respiratory failure; Dilated cardiomyopathy 1G; Autosomal recessive limb-girdle muscular dystrophy type 2J; Early-onset myopathy with fatal cardiomyopathy; Hypertrophic cardiomyopathy 9. Last evaluated: 2021-09-13. Review status: criteria provided, single submitter. Criteria: ACMG Guidelines, 2015. Collection method: clinical testing. Allele origin: unknown.

Eurofins Ntd Llc (ga)
Classification: Uncertain significance. Last evaluated: 2017-06-14. Review status: criteria provided, single submitter. Criteria: EGL Classification Definitions 2015. Collection method: clinical testing. Allele origin: germline. Observed: 1 variant allele, 1 heterozygote.